The following is an entry in ClinVar:

ClinVar aggregate classification (germline): Pathogenic (1 of 4 stars; one submission).

Conditions:
Hereditary cancer-predisposing syndrome. Also called: Tumor predisposition; Neoplastic Syndromes, Hereditary; Hereditary neoplastic syndrome; Hereditary Cancer Syndrome. Identifiers: Orphanet 140162, MedGen C0027672, MeSH D009386, MONDO:0015356.

Submission:

Ambry Genetics
Classification: Pathogenic for Hereditary cancer-predisposing syndrome. Last evaluated: 2024-10-03. Review status: criteria provided, single submitter. Criteria: Ambry Variant Classification Scheme 2023. Collection method: clinical testing. Allele origin: germline.
Comment: The c.1380_1381dupTA pathogenic mutation, located in coding exon 5 of the AXIN2 gene, results from a duplication of TA at nucleotide position 1380, causing a translational frameshift with a predicted alternate stop codon (p.S461Ifs*47). This variant is considered to be rare based on population cohorts in the Genome Aggregation Database (gnomAD). This alteration is expected to result in loss of function by premature protein truncation or nonsense-mediated mRNA decay. As such, this alteration is interpreted as a disease-causing mutation.

NM_004655.4(AXIN2):c.1380_1381dup (p.Ser461fs)

Gene: AXIN2 (axin 2; minus strand). Cytogenetic location: 17q24.1.
Variant type: Microsatellite.
Coding change: c.1380_1381dup on transcript NM_004655.4 (MANE Select); coding-DNA positions 1380 to 1381, 2 bases duplicated (TA; older notation c.1380_1381dupTA).
Protein change: p.Ser461fs; shifts the reading frame from serine 461.
Molecular consequence: frameshift variant.
Genome position (GRCh38, 1-based): chr17:65,537,655-65,537,656, TA duplicated on the plus strand (TA on the coding strand, the reverse complement: AXIN2 is on the minus strand); duplicating any 2 consecutive bases within chr17:65,537,655-65,537,658 gives the same sequence; the c. name uses the placement nearest the transcript's 3' end. VCF-style (leftmost placement, unchanged base first): chr17-65537654-C-CTA. GRCh37 (hg19) VCF-style: chr17-63533772-C-CTA.
Other names: c.1378_1379TA[3], p.Ser461Ilefs (NM_004655.3); c.1380_1381dup, p.Ser461fs (NM_001363813.1); c.1380_1381dupTA (NM_004655.3); short protein forms S461fs.
Identifiers: ClinVar variation 3470415 (VCV003470415.1).
Genomic context (GRCh38, chr17:65,537,654, plus strand): 5'-AGCAGGGAGTGGTACTGCGAATGGTGGTGGTGGTGGTGGTCCGGGGAGCGGGAGCGGGGG[C>CTA]TATAGCGGCCTACGCCTGGAGACTGGCAGCCAGGGGTCTTGAGGACCCTGGACAGGTGAT-3'